The following is an entry in ClinVar:

ClinVar aggregate classification (germline): Uncertain significance (1 of 4 stars; one submission).

Conditions:
Inborn genetic diseases. Identifiers: MedGen C0950123, MeSH D030342.

Submission:

Ambry Genetics
Classification: Uncertain significance for Inborn genetic diseases. Last evaluated: 2022-08-01. Review status: criteria provided, single submitter. Criteria: Ambry Variant Classification Scheme 2023. Collection method: clinical testing. Allele origin: germline.
Comment: The p.N928T variant (also known as c.2783A>C), located in coding exon 21 of the LRRK2 gene, results from an A to C substitution at nucleotide position 2783. The asparagine at codon 928 is replaced by threonine, an amino acid with similar properties. This amino acid position is conserved. In addition, this alteration is predicted to be tolerated by in silico analysis. Since supporting evidence is limited at this time, the clinical significance of this alteration remains unclear.

NM_198578.4(LRRK2):c.2783A>C (p.Asn928Thr)

Gene: LRRK2 (leucine rich repeat kinase 2; plus strand). Cytogenetic location: 12q12.
Variant type: single nucleotide variant.
Coding change: c.2783A>C on transcript NM_198578.4 (MANE Select); coding-DNA position 2783, A replaced by C.
Protein change: p.Asn928Thr; replaces asparagine 928 with threonine.
Molecular consequence: missense variant.
Genome position (GRCh38, 1-based): chr12:40,293,638, A>C. VCF-style: chr12-40293638-A-C. GRCh37 (hg19) VCF-style: chr12-40687440-A-C.
Other names: short protein forms N928T.
Identifiers: ClinVar variation 1795957 (VCV001795957.2), dbSNP rs2499714196, ClinGen allele CA384411014.